The following is an entry in ClinVar:

NM_017827.4(SARS2):c.654-17GTCT[2]

Gene: SARS2 (seryl-tRNA synthetase 2, mitochondrial; minus strand). Cytogenetic location: 19q13.2.
Variant type: Microsatellite.
Coding change: c.654-17GTCT[2] on transcript NM_017827.4 (MANE Select); two copies in a row of the 4-base unit GTCT starting at c.654-17; the reference has three copies in a row; one copy, 4 bases deleted.
Molecular consequence: intron variant.
Genome position (GRCh38, 1-based): chr19:38,919,873-38,919,876, AGAC deleted on the plus strand (GTCT on the coding strand, the reverse complement: SARS2 is on the minus strand); deleting any 4 consecutive bases within chr19:38,919,873-38,919,886 gives the same sequence; the position shown is the placement nearest the transcript's 3' end. VCF-style (leftmost placement, unchanged base first): chr19-38919872-GAGAC-G. GRCh37 (hg19) VCF-style: chr19-39410512-GAGAC-G.
Other names: c.660-17GTCT[2] (NM_001145901.2); c.654-9_654-6delGTCT (NM_017827.3).
Identifiers: ClinVar variation 514213 (VCV000514213.2), dbSNP rs561046447, ClinGen allele CA9423078.

ClinVar aggregate classification (germline): Likely benign. Review status: criteria provided, multiple submitters, no conflicts (2 of 4 stars). 2 submissions from 2 submitters: Likely benign (2). Last evaluated 2026-01-25.

Submissions (2):

Labcorp Genetics (formerly Invitae), Labcorp
Classification: Likely benign. Last evaluated: 2026-01-25. Review status: criteria provided, single submitter. Criteria: Invitae Variant Classification Sherloc (09022015). Collection method: clinical testing. Allele origin: germline.

GeneDx
Classification: Likely benign. Last evaluated: 2018-01-04. Review status: criteria provided, single submitter. Criteria: GeneDx Variant Classification (06012015). Collection method: clinical testing. Allele origin: germline. Affected: yes.
Comment: This variant is considered likely benign or benign based on one or more of the following criteria: it is a conservative change, it occurs at a poorly conserved position in the protein, it is predicted to be benign by multiple in silico algorithms, and/or has population frequency not consistent with disease.